The following is an entry in ClinVar:

ClinVar aggregate classification (germline): Uncertain significance. Review status: criteria provided, multiple submitters, no conflicts (2 of 4 stars). 4 submissions from 4 submitters: Uncertain significance (4). Last evaluated 2026-01-07.

Conditions:
Hereditary cancer-predisposing syndrome. Also called: Tumor predisposition; Hereditary neoplastic syndrome; Hereditary Cancer Syndrome; Neoplastic Syndromes, Hereditary. Identifiers: Orphanet 140162, MedGen C0027672, MeSH D009386, MONDO:0015356.
Hereditary diffuse gastric adenocarcinoma (HDGC). Also called: DIFFUSE GASTRIC AND LOBULAR BREAST CANCER SYNDROME. Identifiers: Orphanet 26106, MedGen C1708349, MONDO:0007648, OMIM 137215.

Submissions (4):

Ambry Genetics
Classification: Uncertain significance for Hereditary cancer-predisposing syndrome. Last evaluated: 2026-01-07. Review status: criteria provided, single submitter. Criteria: Ambry Variant Classification Scheme 2023. Collection method: clinical testing. Allele origin: germline.
Comment: The p.P625L variant (also known as c.1874C>T), located in coding exon 12 of the CDH1 gene, results from a C to T substitution at nucleotide position 1874. The proline at codon 625 is replaced by leucine, an amino acid with similar properties. This amino acid position is conserved. In addition, this alteration is predicted to be tolerated by in silico analysis. Based on the available evidence, the clinical significance of this variant remains unclear.

Sema4
Classification: Uncertain significance for Hereditary cancer-predisposing syndrome. Last evaluated: 2021-07-11. Review status: criteria provided, single submitter. Criteria: Sema4 Curation Guidelines. Collection method: curation. Allele origin: germline.
Comment: The CDH1 c.1874C>T (p.P625L) variant has been reported as a somatic variant in one individual with lung carcinoma (PMID 29156750). This variant was not observed in the large and broad cohorts of the Genome Aggregation Database (PMID: 32461654). This variant has been reported in ClinVar (Variation ID 926106). This variant involves a highly conserved amino acid, and computational analyses do not provide strong support for or against an impact to the protein, though these predictions have not been confirmed by published functional studies. The overall evidence is insufficient to meet ACMG/AMP criteria for classifying it as benign or pathogenic. In summary, the clinical significance of this variant is currently uncertain.

Labcorp Genetics (formerly Invitae), Labcorp
Classification: Uncertain significance for Hereditary diffuse gastric adenocarcinoma. Last evaluated: 2021-06-04. Review status: criteria provided, single submitter. Criteria: Invitae Variant Classification Sherloc (09022015). Collection method: clinical testing. Allele origin: germline.
Comment: This sequence change replaces proline with leucine at codon 625 of the CDH1 protein (p.Pro625Leu). The proline residue is highly conserved and there is a moderate physicochemical difference between proline and leucine. This variant is not present in population databases (ExAC no frequency). This variant has not been reported in the literature in individuals with CDH1-related conditions. ClinVar contains an entry for this variant (Variation ID: 926106). Algorithms developed to predict the effect of missense changes on protein structure and function (SIFT, PolyPhen-2, Align-GVGD) all suggest that this variant is likely to be disruptive, but these predictions have not been confirmed by published functional studies and their clinical significance is uncertain. In summary, the available evidence is currently insufficient to determine the role of this variant in disease. Therefore, it has been classified as a Variant of Uncertain Significance.

Color Diagnostics, LLC DBA Color Health
Classification: Uncertain significance for Hereditary cancer-predisposing syndrome. Last evaluated: 2019-01-31. Review status: criteria provided, single submitter. Criteria: ACMG Guidelines, 2015. Collection method: clinical testing. Allele origin: germline.

Literature cited by the submitters: PubMed 29156750 (cited by Sema4).

NM_004360.5(CDH1):c.1874C>T (p.Pro625Leu)

Gene: CDH1 (cadherin 1; plus strand). Cytogenetic location: 16q22.1.
Variant type: single nucleotide variant.
Coding change: c.1874C>T on transcript NM_004360.5 (MANE Select); coding-DNA position 1874, C replaced by T.
Protein change: p.Pro625Leu; replaces proline 625 with leucine.
Molecular consequence: missense variant. On other transcripts: 5 prime UTR variant (1).
Genome position (GRCh38, 1-based): chr16:68,822,163, C>T. VCF-style: chr16-68822163-C-T. GRCh37 (hg19) VCF-style: chr16-68856066-C-T.
Other names: c.1691C>T, p.Pro564Leu (NM_001317184.2); c.326C>T, p.Pro109Leu (NM_001317185.2); c.-92C>T (NM_001317186.2); short protein forms P564L, P109L, P625L.
Identifiers: ClinVar variation 926106 (VCV000926106.11), dbSNP rs1961166603, ClinGen allele CA396467101.